The following is an entry in ClinVar:

NM_002880.4(RAF1):c.1243G>A (p.Asp415Asn)

Gene: RAF1 (Raf-1 proto-oncogene, serine/threonine kinase; minus strand). Cytogenetic location: 3p25.2.
Variant type: single nucleotide variant.
Coding change: c.1243G>A on transcript NM_002880.4 (MANE Select); coding-DNA position 1243, G replaced by A.
Protein change: p.Asp415Asn; replaces aspartic acid 415 with asparagine.
Molecular consequence: missense variant. On other transcripts: non-coding transcript variant (3).
Genome position (GRCh38, 1-based): chr3:12,590,925, C>T on the plus strand (G>A on the coding strand, the complement: RAF1 is on the minus strand). VCF-style: chr3-12590925-C-T. GRCh37 (hg19) VCF-style: chr3-12632424-C-T.
Other names: p.D415N:GAC>AAC; c.1303G>A, p.Asp435Asn (NM_001354689.3); c.1243G>A, p.Asp415Asn (NM_001354690.3); c.1000G>A, p.Asp334Asn (NM_001354691.3, NM_001354692.3); c.1144G>A, p.Asp382Asn (NM_001354693.3); c.1060G>A, p.Asp354Asn (NM_001354694.3); c.901G>A, p.Asp301Asn (NM_001354695.3); short protein forms D415N, D301N, D334N, D382N, D435N, D354N.
Identifiers: ClinVar variation 181511 (VCV000181511.2), dbSNP rs201553362, ClinGen allele CA297124.

ClinVar aggregate classification (germline): Uncertain significance (1 of 4 stars; one submission).

Allele frequency attached by ClinVar (database versions not stated): gnomAD exomes below 0.00001; ExAC 0.00001; gnomAD 0.00001; 1000 Genomes Project 30x 0.00016; 1000 Genomes Project 0.00020.
gnomAD v4.1: 2 of 1,613,900 alleles (0.00012%); highest among the groups gnomAD compares: East Asian, 0.0022%; no homozygotes.

Submission:

GeneDx
Classification: Uncertain significance. Last evaluated: 2014-08-21. Review status: criteria provided, single submitter. Criteria: GeneDx Variant Classification (06012015). Collection method: clinical testing. Allele origin: germline. Affected: yes.
Comment: p.Asp415Asn (GAC>AAC): c.1243 G>A in exon 12 of the RAF1 gene (NM_002880.3). A variant of unknown significance has been identified in the RAF1 gene. The D415N variant has not been published as a mutation, nor has it been reported as a benign polymorphism to our knowledge. The D415N variant was not observed in approximately 6,500 individuals of European and African American ancestry in the NHLBI Exome Sequencing Project, indicating it is not a common benign variant in these populations. Additionally, the D415N variant is a semi-conservative amino acid substitution, which may impact secondary protein structure as these residues differ in some properties. This substitution also occurs at a position that is conserved among mammals. However, in silico analysis is inconsistent in its predictions as to whether or not the variant is damaging to the protein structure/function. Furthermore, missense mutations in nearby residues have not been reported, indicating this region of the protein may be tolerant of change. Therefore, based on the currently available information, it is unclear whether this variant is a pathogenic mutation or a rare benign variant. The variant is found in CARDIOMYOPATHY panel(s).